The following is an entry in ClinVar:

NM_006662.3(SRCAP):c.5218C>G (p.Leu1740Val)

Gene: SRCAP (Snf2 related CREBBP activator protein; plus strand). Cytogenetic location: 16p11.2.
Variant type: single nucleotide variant.
Coding change: c.5218C>G on transcript NM_006662.3 (MANE Select); coding-DNA position 5218, C replaced by G.
Protein change: p.Leu1740Val; replaces leucine 1740 with valine.
Molecular consequence: missense variant.
Genome position (GRCh38, 1-based): chr16:30,724,642, C>G. VCF-style: chr16-30724642-C-G. GRCh37 (hg19) VCF-style: chr16-30735963-C-G.
Other names: short protein forms L1740V.
Identifiers: ClinVar variation 2322769 (VCV002322769.5), dbSNP rs1461087565, ClinGen allele CA395617879.

ClinVar aggregate classification (germline): Uncertain significance. Review status: criteria provided, multiple submitters, no conflicts (2 of 4 stars). 2 submissions from 2 submitters: Uncertain significance (2). Last evaluated 2024-07-19.

Conditions:
Inborn genetic diseases. Identifiers: MedGen C0950123, MeSH D030342.

Allele frequency attached by ClinVar (database versions not stated): gnomAD 0.00001.
gnomAD v4.1: 4 of 1,614,102 alleles (0.00025%); highest among the groups gnomAD compares: Admixed American, 0.0017%; no homozygotes.

Submissions (2):

Labcorp Genetics (formerly Invitae), Labcorp
Classification: Uncertain significance. Last evaluated: 2024-07-19. Review status: criteria provided, single submitter. Criteria: Invitae Variant Classification Sherloc (09022015). Collection method: clinical testing. Allele origin: germline.
Comment: This sequence change replaces leucine, which is neutral and non-polar, with valine, which is neutral and non-polar, at codon 1740 of the SRCAP protein (p.Leu1740Val). This variant is present in population databases (no rsID available, gnomAD 0.0009%). This variant has not been reported in the literature in individuals affected with SRCAP-related conditions. ClinVar contains an entry for this variant (Variation ID: 2322769). Advanced modeling of protein sequence and biophysical properties (such as structural, functional, and spatial information, amino acid conservation, physicochemical variation, residue mobility, and thermodynamic stability) performed at Invitae indicates that this missense variant is not expected to disrupt SRCAP protein function with a negative predictive value of 80%. In summary, the available evidence is currently insufficient to determine the role of this variant in disease. Therefore, it has been classified as a Variant of Uncertain Significance.

Ambry Genetics
Classification: Uncertain significance for Inborn genetic diseases. Last evaluated: 2022-11-07. Review status: criteria provided, single submitter. Criteria: Ambry Variant Classification Scheme 2023. Collection method: clinical testing. Allele origin: germline.